The following is an entry in ClinVar:

ClinVar aggregate classification (germline): Conflicting classifications of pathogenicity. Review status: criteria provided, conflicting classifications (1 of 4 stars). 2 submissions from 2 submitters: Uncertain significance (1); Likely benign (1). Last evaluated 2024-09-02.

Allele frequency attached by ClinVar (database versions not stated): TOPMed below 0.00001; ExAC 0.00001; gnomAD 0.00001; gnomAD exomes 0.00001.
gnomAD v4.1: 13 of 1,207,681 alleles (0.0011%); highest among the groups gnomAD compares: East Asian, 0.024%; no homozygotes.

Submissions (2):

Ambry Genetics
Classification: Uncertain significance. Last evaluated: 2024-09-02. Review status: criteria provided, single submitter. Criteria: Ambry Variant Classification Scheme 2023. Collection method: clinical testing. Allele origin: germline.

CeGaT Center for Human Genetics Tuebingen
Classification: Likely benign. Last evaluated: 2023-02-01. Review status: criteria provided, single submitter. Criteria: CeGaT Center For Human Genetics Tuebingen Variant Classification Criteria Version 2. Collection method: clinical testing. Allele origin: germline. Affected: yes. Observed: 1 variant allele.
Comment: FAAH2: BP4

NM_174912.4(FAAH2):c.215A>C (p.Gln72Pro)

Gene: FAAH2 (fatty acid amide hydrolase 2; plus strand). Cytogenetic location: Xp11.21.
Variant type: single nucleotide variant.
Coding change: c.215A>C on transcript NM_174912.4 (MANE Select); coding-DNA position 215, A replaced by C.
Protein change: p.Gln72Pro; replaces glutamine 72 with proline.
Molecular consequence: missense variant. On other transcripts: non-coding transcript variant (2).
Genome position (GRCh38, 1-based): chrX:57,292,520, A>C. VCF-style: chrX-57292520-A-C. GRCh37 (hg19) VCF-style: chrX-57318953-A-C.
Other names: c.215A>C (NM_174912.3); c.215A>C, p.Gln72Pro (NM_001353840.1, NM_001353841.1); short protein forms Q72P.
Identifiers: ClinVar variation 2660714 (VCV002660714.25), dbSNP rs769942516, ClinGen allele CA10430546.